The following is an entry in ClinVar:

NM_001258392.3(CLPB):c.646+3A>G

Gene: CLPB (ClpB family mitochondrial disaggregase; minus strand). Cytogenetic location: 11q13.4.
Variant type: single nucleotide variant.
Coding change: c.646+3A>G on transcript NM_001258392.3 (MANE Select); 3 bases into the intron after coding-DNA position 646, A replaced by G.
Molecular consequence: intron variant.
Genome position (GRCh38, 1-based): chr11:72,380,278, T>C on the plus strand (A>G on the coding strand, the complement: CLPB is on the minus strand). VCF-style: chr11-72380278-T-C. GRCh37 (hg19) VCF-style: chr11-72091322-T-C.
Other names: c.559+3A>G (NM_001258393.3); c.646+3A>G (NM_030813.6); c.511+3A>G (NM_001258394.3).
Identifiers: ClinVar variation 3633566 (VCV003633566.2).

ClinVar aggregate classification (germline): Uncertain significance (1 of 4 stars; one submission).

Conditions:
3-methylglutaconic aciduria, type VIIB (MGCA7B). Also called: 3-methylglutaconic aciduria, type VII, with cataracts, neurologic involvement and neutropenia; CLPB Deficiency; 3-methylglutaconic aciduria with cataracts, neurologic involvement and neutropenia. Identifiers: Orphanet 445038, MedGen C5676893, MONDO:0014561, OMIM 616271.

gnomAD v4.1: 4 of 1,610,376 alleles (0.00025%); highest among the groups gnomAD compares: Non-Finnish European, 0.00034%; no homozygotes.

Submission:

Labcorp Genetics (formerly Invitae), Labcorp
Classification: Uncertain significance for 3-methylglutaconic aciduria, type VIIB. Last evaluated: 2024-01-26. Review status: criteria provided, single submitter. Criteria: Invitae Variant Classification Sherloc (09022015). Collection method: clinical testing. Allele origin: germline.
Comment: This sequence change falls in intron 4 of the CLPB gene. It does not directly change the encoded amino acid sequence of the CLPB protein. It affects a nucleotide within the consensus splice site. This variant is present in population databases (rs762673507, gnomAD 0.0009%). This variant has not been reported in the literature in individuals affected with CLPB-related conditions. Variants that disrupt the consensus splice site are a relatively common cause of aberrant splicing (PMID: 17576681, 9536098). Algorithms developed to predict the effect of sequence changes on RNA splicing suggest that this variant is not likely to affect RNA splicing. In summary, the available evidence is currently insufficient to determine the role of this variant in disease. Therefore, it has been classified as a Variant of Uncertain Significance.

Literature cited by the submitters: PubMed 17576681; PubMed 9536098.